The following is an entry in ClinVar:

ClinVar aggregate classification (germline): Uncertain significance (1 of 4 stars; one submission).

Conditions:
Hereditary cancer-predisposing syndrome. Also called: Tumor predisposition; Neoplastic Syndromes, Hereditary; Hereditary neoplastic syndrome; Hereditary Cancer Syndrome. Identifiers: Orphanet 140162, MedGen C0027672, MeSH D009386, MONDO:0015356.

Submission:

Ambry Genetics
Classification: Uncertain significance for Hereditary cancer-predisposing syndrome. Last evaluated: 2025-08-27. Review status: criteria provided, single submitter. Criteria: Ambry Variant Classification Scheme 2023. Collection method: clinical testing. Allele origin: germline.
Comment: The p.Q527E variant (also known as c.1579C>G), located in coding exon 16 of the MUTYH gene, results from a C to G substitution at nucleotide position 1579. The glutamine at codon 527 is replaced by glutamic acid, an amino acid with highly similar properties. This amino acid position is conserved. In addition, this alteration is predicted to be tolerated by in silico analysis. Based on the available evidence, the clinical significance of this variant remains unclear.

NM_001048174.2(MUTYH):c.1495C>G (p.Gln499Glu)

Gene: MUTYH (mutY DNA glycosylase; minus strand). Cytogenetic location: 1p34.1.
Variant type: single nucleotide variant.
Coding change: c.1495C>G on transcript NM_001048174.2 (MANE Select); coding-DNA position 1495, C replaced by G.
Protein change: p.Gln499Glu; replaces glutamine 499 with glutamic acid.
Molecular consequence: missense variant. On other transcripts: non-coding transcript variant (7).
Genome position (GRCh38, 1-based): chr1:45,329,377, G>C on the plus strand (C>G on the coding strand, the complement: MUTYH is on the minus strand). VCF-style: chr1-45329377-G-C. GRCh37 (hg19) VCF-style: chr1-45795049-G-C.
Other names: c.1495C>G, p.Gln499Glu (NM_001048171.2, NM_001048173.2, NM_001293195.2 and 6 more transcripts); c.1498C>G, p.Gln500Glu (NM_001048172.2, NM_001407071.1, NM_001407078.1 and 1 more transcripts); c.1579C>G, p.Gln527Glu (NM_001128425.2); c.1540C>G, p.Gln514Glu (NM_001293190.2); c.1528C>G, p.Gln510Glu (NM_001293191.2, NM_001407069.1, NM_001407077.1); c.1219C>G, p.Gln407Glu (NM_001293192.2, NM_001293196.2, NM_001407091.1); c.1150C>G, p.Gln384Glu (NM_001350650.2, NM_001350651.2, NM_001407082.1); c.1411C>G, p.Gln471Glu (NM_001407075.1); and 5 more; short protein forms Q471E, Q485E, Q499E, Q524E, Q527E, Q384E, Q486E, Q500E.
Identifiers: ClinVar variation 4113390 (VCV004113390.1).
Genomic context (GRCh38, chr1:45,329,377, plus strand): 5'-CACTGTTGAGGCTGTGTGCATCAGTGGAGATGTGAGACCGAAAGAAATTATCCAGGACTT[G>C]CTGGCCCATGCGGGGCTTTTTCCGACTGCACGGAGAGGACACCTGGGACCTTTTGGAACC-3'
Protein context (NP_001041639.1, residues 489-509): CSRKKPRMGQ[Gln499Glu]VLDNFFRSHI